The following is an entry in ClinVar:

ClinVar aggregate classification (germline): Uncertain significance (1 of 4 stars; one submission).

Submission:

Labcorp Genetics (formerly Invitae), Labcorp
Classification: Uncertain significance. Last evaluated: 2022-09-07. Review status: criteria provided, single submitter. Criteria: Invitae Variant Classification Sherloc (09022015). Collection method: clinical testing. Allele origin: germline.
Comment: This variant is not present in population databases (gnomAD no frequency). In summary, the available evidence is currently insufficient to determine the role of this variant in disease. Therefore, it has been classified as a Variant of Uncertain Significance. Algorithms developed to predict the effect of missense changes on protein structure and function are either unavailable or do not agree on the potential impact of this missense change (SIFT: "Deleterious"; PolyPhen-2: "Probably Damaging"; Align-GVGD: "Class C0"). This variant has not been reported in the literature in individuals affected with HPS5-related conditions. This sequence change replaces leucine, which is neutral and non-polar, with serine, which is neutral and polar, at codon 951 of the HPS5 protein (p.Leu951Ser).

NM_181507.2(HPS5):c.2852T>C (p.Leu951Ser)

Gene: HPS5 (HPS5 biogenesis of lysosomal organelles complex 2 subunit 2; minus strand). Cytogenetic location: 11p15.1.
Variant type: single nucleotide variant.
Coding change: c.2852T>C on transcript NM_181507.2 (MANE Select); coding-DNA position 2852, T replaced by C.
Protein change: p.Leu951Ser; replaces leucine 951 with serine.
Molecular consequence: missense variant.
Genome position (GRCh38, 1-based): chr11:18,285,445, A>G on the plus strand (T>C on the coding strand, the complement: HPS5 is on the minus strand). VCF-style: chr11-18285445-A-G. GRCh37 (hg19) VCF-style: chr11-18306992-A-G.
Other names: c.2510T>C, p.Leu837Ser (NM_007216.4, NM_181508.2); short protein forms L951S, L837S.
Identifiers: ClinVar variation 2113811 (VCV002113811.4), dbSNP rs748275573, ClinGen allele CA379515771.
Genomic context (GRCh38, chr11:18,285,445, plus strand): 5'-ATAAAATCTGCAGGAAGTTTAATTAGATGAAGGATCAGCTGACTGTAACCCCAGGAAAGC[A>G]AGTGTGAATGAGGCCTATGAAATGAAAAGGAATCAGTAAATTAGATAGGAAATAAACTCT-3'
Protein context (NP_852608.1, residues 941-961): DEGYPRPHSH[Leu951Ser]LSWGYSQLIL